The following is an entry in ClinVar:

ClinVar aggregate classification (germline): Likely benign (0 of 4 stars; one submission).

Conditions:
ANKRD11-related disorder. Also called: ANKRD11-related condition.

Allele frequency attached by ClinVar (database versions not stated): gnomAD exomes 0.00002; TOPMed 0.00002; gnomAD 0.00003.
gnomAD v4.1: 34 of 1,537,544 alleles (0.0022%); highest among the groups gnomAD compares: South Asian, 0.026%; no homozygotes.

Submission:

PreventionGenetics, part of Exact Sciences
Classification: Likely benign for ANKRD11-related condition. Last evaluated: 2023-06-22. Review status: no assertion criteria provided. Collection method: clinical testing. Allele origin: germline.
Comment: This variant is classified as likely benign based on ACMG/AMP sequence variant interpretation guidelines (Richards et al. 2015 PMID: 25741868, with internal and published modifications).

NM_013275.6(ANKRD11):c.6816C>T (p.Asp2272=)

Gene: ANKRD11 (ankyrin repeat domain containing 11; minus strand). Cytogenetic location: 16q24.3.
Variant type: single nucleotide variant.
Coding change: c.6816C>T on transcript NM_013275.6 (MANE Select); coding-DNA position 6816, C replaced by T.
Protein change: p.Asp2272=; no amino-acid change (aspartic acid 2272 retained).
Molecular consequence: synonymous variant.
Genome position (GRCh38, 1-based): chr16:89,279,726, G>A on the plus strand (C>T on the coding strand, the complement: ANKRD11 is on the minus strand). VCF-style: chr16-89279726-G-A. GRCh37 (hg19) VCF-style: chr16-89346134-G-A.
Other names: c.6816C>T, p.Asp2272= (NM_001256182.2, NM_001256183.2).
Identifiers: ClinVar variation 3030603 (VCV003030603.2), dbSNP rs752311335, ClinGen allele CA8241329.